The following is an entry in ClinVar:

ClinVar aggregate classification (germline): Conflicting classifications of pathogenicity. Review status: criteria provided, conflicting classifications (1 of 4 stars). 5 submissions from 5 submitters: Uncertain significance (4); Likely benign (1). Last evaluated 2025-04-11.

Conditions:
Inborn genetic diseases. Identifiers: MedGen C0950123, MeSH D030342.
Townes-Brocks syndrome 1 (TBS1). Also called: DEAFNESS, SENSORINEURAL, WITH IMPERFORATE ANUS AND THUMB ANOMALIES; REAR SYNDROME; RENAL-EAR-ANAL-RADIAL SYNDROME; SALL1-Related Townes-Brocks Syndrome. Identifiers: Orphanet 857, MedGen C4551481, MONDO:0054581, OMIM 107480.
SALL1-related disorder. Also called: SALL1-related condition.
Townes syndrome (TBS). Also called: Townes-Brocks syndrome. Identifiers: Orphanet 857, MedGen C0265246, MeSH C536974, MONDO:0007142.

Allele frequency attached by ClinVar (database versions not stated): ExAC 0.00002; gnomAD exomes 0.00003 and 0.00004.

Submissions (5):

Ambry Genetics
Classification: Uncertain significance for Inborn genetic diseases. Last evaluated: 2025-04-11. Review status: criteria provided, single submitter. Criteria: Ambry Variant Classification Scheme 2023. Collection method: clinical testing. Allele origin: germline.

Labcorp Genetics (formerly Invitae), Labcorp
Classification: Uncertain significance for Townes syndrome. Last evaluated: 2025-01-21. Review status: criteria provided, single submitter. Criteria: Invitae Variant Classification Sherloc (09022015). Collection method: clinical testing. Allele origin: germline.
Comment: This sequence change replaces glycine, which is neutral and non-polar, with serine, which is neutral and polar, at codon 138 of the SALL1 protein (p.Gly138Ser). This variant is present in population databases (rs756723612, gnomAD 0.006%). This variant has not been reported in the literature in individuals affected with SALL1-related conditions. ClinVar contains an entry for this variant (Variation ID: 862986). An algorithm developed to predict the effect of missense changes on protein structure and function outputs the following: PolyPhen-2: "Benign". The serine amino acid residue is found in multiple mammalian species, which suggests that this missense change does not adversely affect protein function. In summary, the available evidence is currently insufficient to determine the role of this variant in disease. Therefore, it has been classified as a Variant of Uncertain Significance.

PreventionGenetics, part of Exact Sciences
Classification: Uncertain significance for SALL1-related condition. Last evaluated: 2024-10-31. Review status: criteria provided, single submitter. Criteria: ACMG Guidelines, 2015. Collection method: clinical testing. Allele origin: germline.
Comment: The SALL1 c.412G>A variant is predicted to result in the amino acid substitution p.Gly138Ser. To our knowledge, this variant has not been reported in the literature. This variant is reported in 0.0065% of alleles in individuals of South Asian descent in gnomAD. At this time, the clinical significance of this variant is uncertain due to the absence of conclusive functional and genetic evidence.

GeneDx
Classification: Likely benign. Last evaluated: 2022-12-07. Review status: criteria provided, single submitter. Criteria: GeneDx Variant Classification Process June 2021. Collection method: clinical testing. Allele origin: germline. Affected: yes.
Comment: See Variant Classification Assertion Criteria.

Fulgent Genetics
Classification: Uncertain significance for Townes-Brocks syndrome 1. Last evaluated: 2022-01-18. Review status: criteria provided, single submitter. Criteria: ACMG Guidelines, 2015. Collection method: clinical testing. Allele origin: unknown.

NM_002968.3(SALL1):c.412G>A (p.Gly138Ser)

Gene: SALL1 (spalt like transcription factor 1; minus strand). Cytogenetic location: 16q12.1.
Variant type: single nucleotide variant.
Coding change: c.412G>A on transcript NM_002968.3 (MANE Select); coding-DNA position 412, G replaced by A.
Protein change: p.Gly138Ser; replaces glycine 138 with serine.
Molecular consequence: missense variant.
Genome position (GRCh38, 1-based): chr16:51,141,810, C>T on the plus strand (G>A on the coding strand, the complement: SALL1 is on the minus strand). VCF-style: chr16-51141810-C-T. GRCh37 (hg19) VCF-style: chr16-51175721-C-T.
Other names: c.121G>A, p.Gly41Ser (NM_001127892.2); short protein forms G41S, G138S.
Identifiers: ClinVar variation 862986 (VCV000862986.14), dbSNP rs756723612, ClinGen allele CA8053491.